The following is an entry in ClinVar:

NM_182493.3(MYLK3):c.177C>G (p.His59Gln)

Gene: MYLK3 (myosin light chain kinase 3; minus strand). Cytogenetic location: 16q11.2.
Variant type: single nucleotide variant.
Coding change: c.177C>G on transcript NM_182493.3 (MANE Select); coding-DNA position 177, C replaced by G.
Protein change: p.His59Gln; replaces histidine 59 with glutamine.
Molecular consequence: missense variant. On other transcripts: intron variant (1).
Genome position (GRCh38, 1-based): chr16:46,748,017, G>C on the plus strand (C>G on the coding strand, the complement: MYLK3 is on the minus strand). VCF-style: chr16-46748017-G-C. GRCh37 (hg19) VCF-style: chr16-46781929-G-C.
Other names: c.-113-7870C>G (NM_001308301.1); short protein forms H59Q.
Identifiers: ClinVar variation 1374716 (VCV001374716.8), dbSNP rs1275051526, ClinGen allele CA395798667.

ClinVar aggregate classification (germline): Uncertain significance (1 of 4 stars; one submission).

Allele frequency attached by ClinVar (database versions not stated): TOPMed below 0.00001.
gnomAD v4.1: 6 of 1,613,902 alleles (0.00037%); highest among the groups gnomAD compares: Non-Finnish European, 0.00051%; no homozygotes.

Submission:

Labcorp Genetics (formerly Invitae), Labcorp
Classification: Uncertain significance. Last evaluated: 2025-01-13. Review status: criteria provided, single submitter. Criteria: Invitae Variant Classification Sherloc (09022015). Collection method: clinical testing. Allele origin: germline.
Comment: This sequence change replaces histidine, which is basic and polar, with glutamine, which is neutral and polar, at codon 59 of the MYLK3 protein (p.His59Gln). This variant is not present in population databases (gnomAD no frequency). This variant has not been reported in the literature in individuals affected with MYLK3-related conditions. ClinVar contains an entry for this variant (Variation ID: 1374716). An algorithm developed to predict the effect of missense changes on protein structure and function (PolyPhen-2) suggests that this variant is likely to be tolerated. In summary, the available evidence is currently insufficient to determine the role of this variant in disease. Therefore, it has been classified as a Variant of Uncertain Significance.